The following is an entry in ClinVar:

ClinVar aggregate classification (germline): Uncertain significance. Review status: criteria provided, multiple submitters, no conflicts (2 of 4 stars). 4 submissions from 4 submitters: Uncertain significance (4). Last evaluated 2025-07-11.

Conditions:
Inborn genetic diseases. Identifiers: MedGen C0950123, MeSH D030342.
Nemaline myopathy 10 (NEM10). Identifiers: MedGen C4015360, MONDO:0014513, OMIM 616165.

Allele frequency attached by ClinVar (database versions not stated): TOPMed 0.00015; ExAC 0.00038; gnomAD exomes 0.00021 and 0.00041; ESP Exome Variant Server 0.00017; gnomAD 0.00019 and 0.00020.
gnomAD v4.1: 625 of 1,602,796 alleles (0.039%); highest among the groups gnomAD compares: Non-Finnish European, 0.05%; 2 homozygotes.

Submissions (4):

GeneDx
Classification: Uncertain significance. Last evaluated: 2025-07-11. Review status: criteria provided, single submitter. Criteria: GeneDx Variant Classification Process June 2021. Collection method: clinical testing. Allele origin: germline. Affected: yes.
Comment: In silico analysis supports that this missense variant has a deleterious effect on protein structure/function; Has not been previously published as pathogenic or benign to our knowledge

Ambry Genetics
Classification: Uncertain significance for Inborn genetic diseases. Last evaluated: 2025-04-20. Review status: criteria provided, single submitter. Criteria: Ambry Variant Classification Scheme 2023. Collection method: clinical testing. Allele origin: germline.

Labcorp Genetics (formerly Invitae), Labcorp
Classification: Uncertain significance for Nemaline myopathy 10. Last evaluated: 2022-10-28. Review status: criteria provided, single submitter. Criteria: Invitae Variant Classification Sherloc (09022015). Collection method: clinical testing. Allele origin: germline.
Comment: This sequence change replaces leucine, which is neutral and non-polar, with glutamine, which is neutral and polar, at codon 555 of the LMOD3 protein (p.Leu555Gln). This variant is present in population databases (rs377612351, gnomAD 0.04%). This variant has not been reported in the literature in individuals affected with LMOD3-related conditions. ClinVar contains an entry for this variant (Variation ID: 542084). Algorithms developed to predict the effect of missense changes on protein structure and function (SIFT, PolyPhen-2, Align-GVGD) all suggest that this variant is likely to be tolerated. In summary, the available evidence is currently insufficient to determine the role of this variant in disease. Therefore, it has been classified as a Variant of Uncertain Significance.

Breakthrough Genomics
Classification: Uncertain significance. Review status: criteria provided, single submitter. Criteria: ACMG Guidelines, 2015. Collection method: not provided. Allele origin: germline. Inheritance: Autosomal recessive inheritance. Affected: yes.

NM_198271.5(LMOD3):c.1664T>A (p.Leu555Gln)

Gene: LMOD3 (leiomodin 3; minus strand). Cytogenetic location: 3p14.1.
Variant type: single nucleotide variant.
Coding change: c.1664T>A on transcript NM_198271.5 (MANE Select); coding-DNA position 1664, T replaced by A.
Protein change: p.Leu555Gln; replaces leucine 555 with glutamine.
Molecular consequence: missense variant.
Genome position (GRCh38, 1-based): chr3:69,109,114, A>T on the plus strand (T>A on the coding strand, the complement: LMOD3 is on the minus strand). VCF-style: chr3-69109114-A-T. GRCh37 (hg19) VCF-style: chr3-69158265-A-T.
Other names: c.1664T>A (NM_198271.3); c.1664T>A, p.Leu555Gln (NM_001304418.3); short protein forms L555Q.
Identifiers: ClinVar variation 542084 (VCV000542084.10), dbSNP rs377612351, ClinGen allele CA2488689.